The following is an entry in ClinVar:

ClinVar aggregate classification (germline): Uncertain significance. Review status: criteria provided, multiple submitters, no conflicts (2 of 4 stars). 2 submissions from 2 submitters: Uncertain significance (2). Last evaluated 2024-08-22.

Conditions:
Inborn genetic diseases. Identifiers: MedGen C0950123, MeSH D030342.

Submissions (2):

Ambry Genetics
Classification: Uncertain significance for Inborn genetic diseases. Last evaluated: 2024-08-22. Review status: criteria provided, single submitter. Criteria: Ambry Variant Classification Scheme 2023. Collection method: clinical testing. Allele origin: germline.
Comment: The p.R130G variant (also known as c.388C>G), located in coding exon 4 of the RAD51 gene, results from a C to G substitution at nucleotide position 388. The arginine at codon 130 is replaced by glycine, an amino acid with dissimilar properties. This amino acid position is conserved. In addition, this alteration is predicted to be deleterious by in silico analysis. Since supporting evidence is limited at this time, the clinical significance of this alteration remains unclear.

GeneDx
Classification: Uncertain significance. Last evaluated: 2024-04-08. Review status: criteria provided, single submitter. Criteria: GeneDx Variant Classification Process June 2021. Collection method: clinical testing. Allele origin: germline. Affected: yes.
Comment: Not observed at significant frequency in large population cohorts (gnomAD); In silico analysis supports that this missense variant has a deleterious effect on protein structure/function; Has not been previously published as pathogenic or benign to our knowledge

NM_002875.5(RAD51):c.388C>G (p.Arg130Gly)

Gene: RAD51 (RAD51 recombinase; plus strand). Cytogenetic location: 15q15.1.
Variant type: single nucleotide variant.
Coding change: c.388C>G on transcript NM_002875.5 (MANE Select); coding-DNA position 388, C replaced by G.
Protein change: p.Arg130Gly; replaces arginine 130 with glycine.
Molecular consequence: missense variant.
Genome position (GRCh38, 1-based): chr15:40,709,069, C>G. VCF-style: chr15-40709069-C-G. GRCh37 (hg19) VCF-style: chr15-41001267-C-G.
Other names: c.391C>G, p.Arg131Gly (NM_001164269.2, NM_133487.4); c.388C>G, p.Arg130Gly (NM_001164270.2); short protein forms R131G, R130G.
Identifiers: ClinVar variation 1735876 (VCV001735876.4), dbSNP rs2141836480, ClinGen allele CA391751186.